The following is an entry in ClinVar:

ClinVar aggregate classification (germline): Uncertain significance. Review status: criteria provided, multiple submitters, no conflicts (2 of 4 stars). 2 submissions from 2 submitters: Uncertain significance (2). Last evaluated 2025-08-08.

Submissions (2):

Ambry Genetics
Classification: Uncertain significance. Last evaluated: 2025-08-08. Review status: criteria provided, single submitter. Criteria: Ambry Variant Classification Scheme 2023. Collection method: clinical testing. Allele origin: germline.

Labcorp Genetics (formerly Invitae), Labcorp
Classification: Uncertain significance. Last evaluated: 2024-12-16. Review status: criteria provided, single submitter. Criteria: Invitae Variant Classification Sherloc (09022015). Collection method: clinical testing. Allele origin: germline.
Comment: This sequence change replaces valine, which is neutral and non-polar, with glycine, which is neutral and non-polar, at codon 140 of the ICOSLG protein (p.Val140Gly). This variant is present in population databases (rs754255415, gnomAD 0.0009%). This variant has not been reported in the literature in individuals affected with ICOSLG-related conditions. An algorithm developed to predict the effect of missense changes on protein structure and function (PolyPhen-2) suggests that this variant is likely to be disruptive. In summary, the available evidence is currently insufficient to determine the role of this variant in disease. Therefore, it has been classified as a Variant of Uncertain Significance.

NM_015259.6(ICOSLG):c.419T>G (p.Val140Gly)

Gene: ICOSLG (inducible T cell costimulator ligand; minus strand). Cytogenetic location: 21q22.3.
Variant type: single nucleotide variant.
Coding change: c.419T>G on transcript NM_015259.6 (MANE Select); coding-DNA position 419, T replaced by G.
Protein change: p.Val140Gly; replaces valine 140 with glycine.
Molecular consequence: missense variant.
Genome position (GRCh38, 1-based): chr21:44,235,550, A>C on the plus strand (T>G on the coding strand, the complement: ICOSLG is on the minus strand). VCF-style: chr21-44235550-A-C. GRCh37 (hg19) VCF-style: chr21-45655433-A-C.
Other names: c.419T>G, p.Val140Gly (NM_001283050.2, NM_001395918.1); c.68T>G, p.Val23Gly (NM_001283051.2); c.164T>G, p.Val55Gly (NM_001283052.2); c.338T>G, p.Val113Gly (NM_001365759.2); c.419T>G (NM_015259.4); short protein forms V113G, V140G, V23G, V55G.
Identifiers: ClinVar variation 3607835 (VCV003607835.3).